The following is an entry in ClinVar:

NM_000516.7(GNAS):c.793C>T (p.Arg265Cys)

Gene: GNAS (GNAS complex locus; plus strand). Cytogenetic location: 20q13.32.
Variant type: single nucleotide variant.
Coding change: c.793C>T on transcript NM_000516.7 (MANE Select); coding-DNA position 793, C replaced by T.
Protein change: p.Arg265Cys; replaces arginine 265 with cysteine.
Molecular consequence: missense variant. On other transcripts: 3 prime UTR variant (2).
Genome position (GRCh38, 1-based): chr20:58,909,758, C>T. VCF-style: chr20-58909758-C-T. GRCh37 (hg19) VCF-style: chr20-57484813-C-T.
Other names: c.796C>T, p.Arg266Cys (NM_001077488.5); c.793C>T (NM_000516.5); c.748C>T, p.Arg250Cys (NM_001077489.4); c.*654C>T (NM_001077490.3); c.616C>T, p.Arg206Cys (NM_001309840.2, NM_001309861.2); c.*699C>T (NM_016592.5); c.2722C>T, p.Arg908Cys (NM_080425.4); c.751C>T, p.Arg251Cys (NM_080426.4); short protein forms R265C, R266C, R206C, R250C, R251C, R908C.
Identifiers: ClinVar variation 521505 (VCV000521505.9), dbSNP rs1555891595, ClinGen allele CA409452665.

ClinVar aggregate classification (germline): Pathogenic/Likely pathogenic. Review status: criteria provided, multiple submitters, no conflicts (2 of 4 stars). 4 submissions from 4 submitters: Pathogenic (1); Likely pathogenic (2). 1 of the submissions does not count toward it. Last evaluated 2026-02-02.

Conditions:
GNAS-related disorder. Identifiers: MedGen CN380105.
Inborn genetic diseases. Identifiers: MedGen C0950123, MeSH D030342.
Pseudohypoparathyroidism type I A (PHP1A). Also called: PHP IA; Pseudohypoparathyroidism type 1A; Pseudohypoparathyroidism Ia (PHP-Ia); Pseudohypoparathyroidism Type IA; ALBRIGHT HEREDITARY OSTEODYSTROPHY WITH MULTIPLE HORMONE RESISTANCE. Identifiers: Orphanet 79443, MedGen C3494506, MONDO:0007078, OMIM 103580.

Submissions (4):

Institute of Human Genetics, University of Leipzig Medical Center
Classification: Pathogenic for Pseudohypoparathyroidism type I A. Last evaluated: 2026-02-02. Review status: criteria provided, single submitter. Criteria: ACMG Guidelines, 2015. Collection method: clinical testing. Allele origin: de novo. Inheritance: Autosomal dominant inheritance. Affected: yes.
Comment: Criteria applied: PS4_MOD,PM2,PM5,PP2,PP3, PS2_MOD

GeneDx
Classification: Likely pathogenic. Last evaluated: 2025-04-11. Review status: criteria provided, single submitter. Criteria: GeneDx Variant Classification Process June 2021. Collection method: clinical testing. Allele origin: germline. Affected: yes.
Comment: Not observed at significant frequency in large population cohorts (gnomAD); In silico analysis supports that this missense variant has a deleterious effect on protein structure/function; Has not been previously published as pathogenic or benign to our knowledge

Ambry Genetics
Classification: Likely pathogenic for Inborn genetic diseases. Last evaluated: 2017-03-24. Review status: criteria provided, single submitter. Criteria: Ambry exome assertion method (8-5-2015). Collection method: clinical testing. Allele origin: germline. Affected: yes. Observed: 1 variant allele.

PreventionGenetics, part of Exact Sciences
Classification: Uncertain significance for GNAS-related condition. Last evaluated: 2024-08-09. Review status: no assertion criteria provided. Collection method: clinical testing. Allele origin: germline. Not counted in ClinVar's aggregate classification.
Comment: The GNAS c.793C>T variant is predicted to result in the amino acid substitution p.Arg265Cys. To our knowledge, this variant has not been reported in the literature or in a large population database, indicating it is rare. A different missense variant affecting the same amino acid (p.Arg265His) has been associated with Albright’s hereditary osteodystrophy (Pseudohypoparathyroidism Ia/c) (Leyme et al. 2014. PubMed ID: 24982418) and is classified as likely pathogenic. Although we suspect that the c.793C>T (p.Arg265Cys) variant may be pathogenic, at this time, the clinical significance is uncertain due to the absence of conclusive functional and genetic evidence.

Literature cited by the submitters: PubMed 24982418 (cited by Ambry Genetics).